The following is an entry in ClinVar:

ClinVar aggregate classification (germline): Likely benign (1 of 4 stars; one submission).

gnomAD v4.1: 43 of 1,613,086 alleles (0.0027%); highest among the groups gnomAD compares: African/African-American, 0.041%; no homozygotes.

Submission:

Molecular Diagnostic Laboratory for Inherited Cardiovascular Disease, Montreal Heart Institute
Classification: Likely benign. Last evaluated: 2026-03-27. Review status: criteria provided, single submitter. Criteria: ACMG Guidelines, 2015. Collection method: clinical testing. Allele origin: germline. Affected: no.
Comment: BP7

NM_198060.4(NRAP):c.2817C>T (p.Val939=)

Gene: NRAP (nebulin related anchoring protein; minus strand). Cytogenetic location: 10q25.3.
Variant type: single nucleotide variant.
Coding change: c.2817C>T on transcript NM_198060.4 (MANE Select); coding-DNA position 2817, C replaced by T.
Protein change: p.Val939=; no amino-acid change (valine 939 retained).
Molecular consequence: synonymous variant.
Genome position (GRCh38, 1-based): chr10:113,620,661, G>A on the plus strand (C>T on the coding strand, the complement: NRAP is on the minus strand). VCF-style: chr10-113620661-G-A. GRCh37 (hg19) VCF-style: chr10-115380420-G-A.
Other names: c.2817C>T, p.Val939= (NM_001261463.2); c.2709C>T, p.Val903= (NM_001322945.2); c.2712C>T, p.Val904= (NM_006175.5).
Identifiers: ClinVar variation 4820351 (VCV004820351.1), dbSNP rs149084999.
Genomic context (GRCh38, chr10:113,620,661, plus strand): 5'-CACCTCGCTAATGAGTTCTCCTGCCTTCTTCGCCTGCTCCACATTTAATGACCCGGTGGC[G>A]ACCCAGCCCATGCCTTTCATCCACTTCACATCTGCCCTGTATTGGTTCTGACAAAGGAGA-3'
Protein context (NP_932326.2, residues 929-949): DVKWMKGMGW[Val939=]ATGSLNVEQA